The following is an entry in ClinVar:

NM_001083961.2(WDR62):c.2718C>G (p.Ser906Arg)

Gene: WDR62 (WD repeat domain 62; plus strand). Cytogenetic location: 19q13.12.
Variant type: single nucleotide variant.
Coding change: c.2718C>G on transcript NM_001083961.2 (MANE Select); coding-DNA position 2718, C replaced by G.
Protein change: p.Ser906Arg; replaces serine 906 with arginine.
Molecular consequence: missense variant.
Genome position (GRCh38, 1-based): chr19:36,099,596, C>G. VCF-style: chr19-36099596-C-G. GRCh37 (hg19) VCF-style: chr19-36590498-C-G.
Other names: c.2718C>G, p.Ser906Arg (NM_173636.5); short protein forms S906R.
Identifiers: ClinVar variation 1366817 (VCV001366817.8), dbSNP rs1210992966, ClinGen allele CA405444863.

ClinVar aggregate classification (germline): Uncertain significance (1 of 4 stars; one submission).

Allele frequency attached by ClinVar (database versions not stated): gnomAD exomes below 0.00001; TOPMed below 0.00001.
gnomAD v4.1: 2 of 1,614,192 alleles (0.00012%); highest among the groups gnomAD compares: African/African-American, 0.0027%; no homozygotes.

Submission:

Labcorp Genetics (formerly Invitae), Labcorp
Classification: Uncertain significance. Last evaluated: 2022-11-08. Review status: criteria provided, single submitter. Criteria: Invitae Variant Classification Sherloc (09022015). Collection method: clinical testing. Allele origin: germline.
Comment: In summary, the available evidence is currently insufficient to determine the role of this variant in disease. Therefore, it has been classified as a Variant of Uncertain Significance. Advanced modeling of protein sequence and biophysical properties (such as structural, functional, and spatial information, amino acid conservation, physicochemical variation, residue mobility, and thermodynamic stability) performed at Invitae indicates that this missense variant is not expected to disrupt WDR62 protein function. ClinVar contains an entry for this variant (Variation ID: 1366817). This variant has not been reported in the literature in individuals affected with WDR62-related conditions. This variant is present in population databases (no rsID available, gnomAD 0.007%). This sequence change replaces serine, which is neutral and polar, with arginine, which is basic and polar, at codon 906 of the WDR62 protein (p.Ser906Arg).